The following is an entry in ClinVar:

NM_001267550.2(TTN):c.54477C>G (p.Val18159=)

Genes: TTN (titin; minus strand), TTN-AS1 (TTN antisense RNA 1; plus strand). Cytogenetic location: 2q31.2.
Variant type: single nucleotide variant.
Coding change: c.54477C>G on transcript NM_001267550.2 (MANE Select); coding-DNA position 54477, C replaced by G.
Protein change: p.Val18159=; no amino-acid change (valine 18159 retained).
Molecular consequence: synonymous variant.
Genome position (GRCh38, 1-based): chr2:178,604,210, G>C on the plus strand (C>G on the coding strand, the complement: TTN is on the minus strand). VCF-style: chr2-178604210-G-C. GRCh37 (hg19) VCF-style: chr2-179468937-G-C.
Other names: c.49554C>G, p.Val16518= (NM_001256850.1); c.27282C>G, p.Val9094= (NM_003319.4); c.46773C>G, p.Val15591= (NM_133378.4); c.27657C>G, p.Val9219= (NM_133432.3); c.27858C>G, p.Val9286= (NM_133437.4).
Identifiers: ClinVar variation 501172 (VCV000501172.15), dbSNP rs374335905, ClinGen allele CA1993623.

ClinVar aggregate classification (germline): Conflicting classifications of pathogenicity. Review status: criteria provided, conflicting classifications (1 of 4 stars). 5 submissions from 5 submitters: Uncertain significance (1); Likely benign (4). Last evaluated 2025-10-19.

Conditions:
Cardiovascular phenotype. Identifiers: MedGen CN230736.
Dilated cardiomyopathy 1G (CMD1G). Identifiers: Orphanet 154, MedGen C1858763, MONDO:0011400, OMIM 604145.
Autosomal recessive limb-girdle muscular dystrophy type 2J (LGMDR10). Also called: Limb-girdle muscular dystrophy, type 2J; MUSCULAR DYSTROPHY, LIMB-GIRDLE, AUTOSOMAL RECESSIVE 10. Identifiers: Orphanet 140922, MedGen C1837342, MONDO:0012127, OMIM 608807.

Allele frequency attached by ClinVar (database versions not stated): ExAC 0.00003; gnomAD exomes 0.00003; TOPMed 0.00003; gnomAD 0.00004; ESP Exome Variant Server 0.00017.
gnomAD v4.1: 92 of 1,610,886 alleles (0.0057%); highest among the groups gnomAD compares: Non-Finnish European, 0.007%; no homozygotes.

Submissions (5):

Labcorp Genetics (formerly Invitae), Labcorp
Classification: Likely benign for Dilated cardiomyopathy 1G; Autosomal recessive limb-girdle muscular dystrophy type 2J. Last evaluated: 2025-10-19. Review status: criteria provided, single submitter. Criteria: Invitae Variant Classification Sherloc (09022015). Collection method: clinical testing. Allele origin: germline.

Ambry Genetics
Classification: Likely benign for Cardiovascular phenotype. Last evaluated: 2022-03-23. Review status: criteria provided, single submitter. Criteria: Ambry Variant Classification Scheme 2023. Collection method: clinical testing. Allele origin: germline.

Blueprint Genetics
Classification: Likely benign. Last evaluated: 2021-01-04. Review status: criteria provided, single submitter. Criteria: ACMG Guidelines, 2015. Collection method: clinical testing. Allele origin: germline.

GeneDx
Classification: Likely benign. Last evaluated: 2018-02-01. Review status: criteria provided, single submitter. Criteria: GeneDx Variant Classification (06012015). Collection method: clinical testing. Allele origin: germline. Affected: yes.
Comment: This variant is considered likely benign or benign based on one or more of the following criteria: it is a conservative change, it occurs at a poorly conserved position in the protein, it is predicted to be benign by multiple in silico algorithms, and/or has population frequency not consistent with disease.

Eurofins Ntd Llc (ga)
Classification: Uncertain significance. Last evaluated: 2017-04-06. Review status: criteria provided, single submitter. Criteria: EGL Classification Definitions 2015. Collection method: clinical testing. Allele origin: germline. Observed: 2 variant alleles, 2 heterozygotes.